The following is an entry in ClinVar:

NM_014283.5(SUCO):c.3100C>G (p.Arg1034Gly)

Gene: SUCO (SUN domain containing ossification factor; plus strand). Cytogenetic location: 1q24.3.
Variant type: single nucleotide variant.
Coding change: c.3100C>G on transcript NM_014283.5 (MANE Select); coding-DNA position 3100, C replaced by G.
Protein change: p.Arg1034Gly; replaces arginine 1034 with glycine.
Molecular consequence: missense variant.
Genome position (GRCh38, 1-based): chr1:172,602,145, C>G. VCF-style: chr1-172602145-C-G. GRCh37 (hg19) VCF-style: chr1-172571285-C-G.
Other names: c.1987C>G, p.Arg663Gly (NM_001282750.2); c.1411C>G, p.Arg471Gly (NM_001282751.2); c.3553C>G, p.Arg1185Gly (NM_016227.4); short protein forms R1034G, R1185G, R471G, R663G.
Identifiers: ClinVar variation 3673928 (VCV003673928.2).

ClinVar aggregate classification (germline): Uncertain significance (1 of 4 stars; one submission).

gnomAD v4.1: 1 of 1,613,448 alleles (0.000062%); highest among the groups gnomAD compares: Admixed American, 0.0017%; no homozygotes.

Submission:

Labcorp Genetics (formerly Invitae), Labcorp
Classification: Uncertain significance. Last evaluated: 2024-02-20. Review status: criteria provided, single submitter. Criteria: Invitae Variant Classification Sherloc (09022015). Collection method: clinical testing. Allele origin: germline.
Comment: This sequence change replaces arginine, which is basic and polar, with glycine, which is neutral and non-polar, at codon 1034 of the SUCO protein (p.Arg1034Gly). This variant is not present in population databases (gnomAD no frequency). This variant has not been reported in the literature in individuals affected with SUCO-related conditions. An algorithm developed to predict the effect of missense changes on protein structure and function (PolyPhen-2) suggests that this variant is likely to be disruptive. In summary, the available evidence is currently insufficient to determine the role of this variant in disease. Therefore, it has been classified as a Variant of Uncertain Significance.